The following is an entry in ClinVar:

ClinVar aggregate classification (germline): Uncertain significance (1 of 4 stars; one submission).

Conditions:
Perlman syndrome (PRLMNS). Identifiers: Orphanet 2849, MedGen C0796113, MONDO:0009965, OMIM 267000.

Allele frequency attached by ClinVar (database versions not stated): gnomAD 0.00001; TOPMed 0.00001.
gnomAD v4.1: 4 of 1,599,800 alleles (0.00025%); highest among the groups gnomAD compares: African/African-American, 0.0054%; no homozygotes.

Submission:

Labcorp Genetics (formerly Invitae), Labcorp
Classification: Uncertain significance for Perlman syndrome. Last evaluated: 2023-08-08. Review status: criteria provided, single submitter. Criteria: Invitae Variant Classification Sherloc (09022015). Collection method: clinical testing. Allele origin: germline.
Comment: ClinVar contains an entry for this variant (Variation ID: 942953). This variant has not been reported in the literature in individuals affected with DIS3L2-related conditions. This variant is not present in population databases (gnomAD no frequency). This sequence change replaces arginine, which is basic and polar, with leucine, which is neutral and non-polar, at codon 92 of the DIS3L2 protein (p.Arg92Leu). In summary, the available evidence is currently insufficient to determine the role of this variant in disease. Therefore, it has been classified as a Variant of Uncertain Significance. Advanced modeling of protein sequence and biophysical properties (such as structural, functional, and spatial information, amino acid conservation, physicochemical variation, residue mobility, and thermodynamic stability) performed at Invitae indicates that this missense variant is not expected to disrupt DIS3L2 protein function.

NM_152383.5(DIS3L2):c.275G>T (p.Arg92Leu)

Gene: DIS3L2 (DIS3 like 3'-5' exoribonuclease 2; plus strand). Cytogenetic location: 2q37.1.
Variant type: single nucleotide variant.
Coding change: c.275G>T on transcript NM_152383.5 (MANE Select); coding-DNA position 275, G replaced by T.
Protein change: p.Arg92Leu; replaces arginine 92 with leucine.
Molecular consequence: missense variant. On other transcripts: non-coding transcript variant (2).
Genome position (GRCh38, 1-based): chr2:232,029,989, G>T. VCF-style: chr2-232029989-G-T. GRCh37 (hg19) VCF-style: chr2-232894699-G-T.
Other names: c.275G>T, p.Arg92Leu (NM_001257281.2, NM_001257282.2); short protein forms R92L.
Identifiers: ClinVar variation 942953 (VCV000942953.9), dbSNP rs1024112188, ClinGen allele CA67500699.